The following is an entry in ClinVar:

NM_002490.6(NDUFA6):c.-11G>T

Gene: NDUFA6 (NADH:ubiquinone oxidoreductase subunit A6; minus strand). Cytogenetic location: 22q13.2.
Variant type: single nucleotide variant.
Coding change: c.-11G>T on transcript NM_002490.6 (MANE Select); 11 bases upstream of the start codon, G replaced by T.
Molecular consequence: 5 prime UTR variant.
Genome position (GRCh38, 1-based): chr22:42,090,755, C>A on the plus strand (G>T on the coding strand, the complement: NDUFA6 is on the minus strand). VCF-style: chr22-42090755-C-A. GRCh37 (hg19) VCF-style: chr22-42486759-C-A.
Identifiers: ClinVar variation 1953168 (VCV001953168.5), dbSNP rs753916921, ClinGen allele CA10264461.
Genomic context (GRCh38, chr22:42,090,755, plus strand): 5'-ACGAAGGTGCTGGCGGTAGAAGTAGCTTGGCGGACGCCGCTCCCCGCCATCTTGCCAAAG[C>A]ATCCACTCCACAACCCCACCCCTTTGCAAGCAGCGCGTGCGGACCGCGGGCGAATGTCTT-3'

ClinVar aggregate classification (germline): Uncertain significance (1 of 4 stars; one submission).

Allele frequency attached by ClinVar (database versions not stated): ExAC 0.00002.
gnomAD v4.1: 12 of 1,614,244 alleles (0.00074%); highest among the groups gnomAD compares: South Asian, 0.0011%; no homozygotes.

Submission:

Labcorp Genetics (formerly Invitae), Labcorp
Classification: Uncertain significance. Last evaluated: 2022-11-08. Review status: criteria provided, single submitter. Criteria: Invitae Variant Classification Sherloc (09022015). Collection method: clinical testing. Allele origin: germline.
Comment: Algorithms developed to predict the effect of missense changes on protein structure and function output the following: SIFT: "Not Available"; PolyPhen-2: "Benign"; Align-GVGD: "Not Available". The phenylalanine amino acid residue is found in multiple mammalian species, which suggests that this missense change does not adversely affect protein function. In summary, the available evidence is currently insufficient to determine the role of this variant in disease. Therefore, it has been classified as a Variant of Uncertain Significance. This variant has not been reported in the literature in individuals affected with NDUFA6-related conditions. This variant is present in population databases (rs753916921, gnomAD 0.003%). This sequence change replaces cysteine, which is neutral and slightly polar, with phenylalanine, which is neutral and non-polar, at codon 23 of the NDUFA6 protein (p.Cys23Phe).